The following is an entry in ClinVar:

NM_001003841.3(SLC6A19):c.216C>G (p.Ile72Met)

Gene: SLC6A19 (solute carrier family 6 member 19; plus strand). Cytogenetic location: 5p15.33.
Variant type: single nucleotide variant.
Coding change: c.216C>G on transcript NM_001003841.3 (MANE Select); coding-DNA position 216, C replaced by G.
Protein change: p.Ile72Met; replaces isoleucine 72 with methionine.
Molecular consequence: missense variant.
Genome position (GRCh38, 1-based): chr5:1,208,759, C>G. VCF-style: chr5-1208759-C-G. GRCh37 (hg19) VCF-style: chr5-1208874-C-G.
Other names: c.216C>G (NM_001003841.2); short protein forms I72M.
Identifiers: ClinVar variation 2004334 (VCV002004334.5), dbSNP rs1745927166, ClinGen allele CA359062670.
Genomic context (GRCh38, chr5:1,208,759, plus strand): 5'-CTCCCCCGGGAACGGCTCTCAGGCATGGTGGACTCCTCCCATTGCAGGAGCCTTCATGAT[C>G]CCGTTCCTCATCCTGCTGGTCCTGGAGGGCATCCCCCTGCTGTACCTGGAGTTCGCCATC-3'
Protein context (NP_001003841.1, residues 62-82): CQSHGGGAFM[Ile72Met]PFLILLVLEG

ClinVar aggregate classification (germline): Uncertain significance. Review status: criteria provided, multiple submitters, no conflicts (2 of 4 stars). 2 submissions from 2 submitters: Uncertain significance (2). Last evaluated 2025-07-21.

Conditions:
Inborn genetic diseases. Identifiers: MedGen C0950123, MeSH D030342.

Submissions (2):

Labcorp Genetics (formerly Invitae), Labcorp
Classification: Uncertain significance. Last evaluated: 2025-07-21. Review status: criteria provided, single submitter. Criteria: Invitae Variant Classification Sherloc (09022015). Collection method: clinical testing. Allele origin: germline.
Comment: This sequence change replaces isoleucine, which is neutral and non-polar, with methionine, which is neutral and non-polar, at codon 72 of the SLC6A19 protein (p.Ile72Met). This variant is not present in population databases (gnomAD no frequency). This variant has not been reported in the literature in individuals affected with SLC6A19-related conditions. ClinVar contains an entry for this variant (Variation ID: 2004334). Invitae Evidence Modeling of protein sequence and biophysical properties (such as structural, functional, and spatial information, amino acid conservation, physicochemical variation, residue mobility, and thermodynamic stability) has been performed for this missense variant. However, the output from this modeling did not meet the statistical confidence thresholds required to predict the impact of this variant on SLC6A19 protein function. In summary, the available evidence is currently insufficient to determine the role of this variant in disease. Therefore, it has been classified as a Variant of Uncertain Significance.

Ambry Genetics
Classification: Uncertain significance for Inborn genetic diseases. Last evaluated: 2024-11-26. Review status: criteria provided, single submitter. Criteria: Ambry Variant Classification Scheme 2023. Collection method: clinical testing. Allele origin: germline.